The following is an entry in ClinVar:

NM_001365999.1(SZT2):c.4957_4965del (p.Gly1653_Pro1655del)

Gene: SZT2 (SZT2 subunit of KICSTOR complex; plus strand). Cytogenetic location: 1p34.2.
Variant type: Deletion.
Coding change: c.4957_4965del on transcript NM_001365999.1 (MANE Select); coding-DNA positions 4957 to 4965, 9 bases deleted (GGGCAGCCA; older notation c.4957_4965delGGGCAGCCA).
Protein change: p.Gly1653_Pro1655del.
Molecular consequence: inframe deletion.
Genome position (GRCh38, 1-based): chr1:43,431,305-43,431,313, GGGCAGCCA deleted; deleting any 9 consecutive bases within chr1:43,431,302-43,431,313 gives the same sequence; the c. name uses the placement nearest the transcript's 3' end. VCF-style (leftmost placement, unchanged base first): chr1-43431301-CCCAGGGCAG-C. GRCh37 (hg19) VCF-style: chr1-43896972-CCCAGGGCAG-C.
Other names: c.4786_4794del, p.Gly1596_Pro1598del (NM_015284.4).
Identifiers: ClinVar variation 1403144 (VCV001403144.8), dbSNP rs1653840019, ClinGen allele CA1001094248.

ClinVar aggregate classification (germline): Uncertain significance (1 of 4 stars; one submission).

Submission:

Labcorp Genetics (formerly Invitae), Labcorp
Classification: Uncertain significance. Last evaluated: 2021-01-12. Review status: criteria provided, single submitter. Criteria: Invitae Variant Classification Sherloc (09022015). Collection method: clinical testing. Allele origin: germline.
Comment: In summary, the available evidence is currently insufficient to determine the role of this variant in disease. Therefore, it has been classified as a Variant of Uncertain Significance. Experimental studies and prediction algorithms are not available or were not evaluated, and the functional significance of this variant is currently unknown. This variant has not been reported in the literature in individuals with SZT2-related conditions. This variant is not present in population databases (ExAC no frequency). This variant, c.4786_4794del, results in the deletion of 3 amino acid(s) of the SZT2 protein (p.Gly1596_Pro1598del), but otherwise preserves the integrity of the reading frame.